The following is an entry in ClinVar:

ClinVar aggregate classification (germline): Uncertain significance (1 of 4 stars; one submission).

Submission:

Labcorp Genetics (formerly Invitae), Labcorp
Classification: Uncertain significance. Last evaluated: 2022-08-05. Review status: criteria provided, single submitter. Criteria: Invitae Variant Classification Sherloc (09022015). Collection method: clinical testing. Allele origin: germline.
Comment: This sequence change replaces proline, which is neutral and non-polar, with alanine, which is neutral and non-polar, at codon 618 of the SCNN1B protein (p.Pro618Ala). In summary, the available evidence is currently insufficient to determine the role of this variant in disease. Therefore, it has been classified as a Variant of Uncertain Significance. This variant disrupts the p.Pro618 amino acid residue in SCNN1B. Other variant(s) that disrupt this residue have been determined to be pathogenic (PMID: 8524790, 32561571). This suggests that this residue is clinically significant, and that variants that disrupt this residue are likely to be disease-causing. Algorithms developed to predict the effect of missense changes on protein structure and function are either unavailable or do not agree on the potential impact of this missense change (SIFT: "Tolerated"; PolyPhen-2: "Probably Damaging"; Align-GVGD: "Class C0"). This variant has not been reported in the literature in individuals affected with SCNN1B-related conditions. This variant is not present in population databases (gnomAD no frequency).

Literature cited by the submitters: PubMed 8524790; PubMed 32561571.

NM_000336.3(SCNN1B):c.1852C>G (p.Pro618Ala)

Gene: SCNN1B (sodium channel epithelial 1 subunit beta; plus strand). Cytogenetic location: 16p12.2.
Variant type: single nucleotide variant.
Coding change: c.1852C>G on transcript NM_000336.3 (MANE Select); coding-DNA position 1852, C replaced by G.
Protein change: p.Pro618Ala; replaces proline 618 with alanine.
Molecular consequence: missense variant.
Genome position (GRCh38, 1-based): chr16:23,380,730, C>G. VCF-style: chr16-23380730-C-G. GRCh37 (hg19) VCF-style: chr16-23392051-C-G.
Other names: c.1744C>G, p.Pro582Ala (NM_001410900.1); short protein forms P618A, P582A.
Identifiers: ClinVar variation 1994189 (VCV001994189.4), dbSNP rs536187488, ClinGen allele CA395114035.
Genomic context (GRCh38, chr16:23,380,730, plus strand): 5'-AGCCCCAACACTGGGCCCTACCCCAGTGAGCAGGCCCTGCCCATCCCAGGCACCCCGCCC[C>G]CCAACTATGACTCCCTGCGTCTGCAGCCGCTGGACGTCATCGAGTCTGACAGTGAGGGTG-3'
Protein context (NP_000327.2, residues 608-628): QALPIPGTPP[Pro618Ala]NYDSLRLQPL